The following is an entry in ClinVar:

NM_000391.4(TPP1):c.568G>A (p.Val190Met)

Gene: TPP1 (tripeptidyl peptidase 1; minus strand). Cytogenetic location: 11p15.4.
Variant type: single nucleotide variant.
Coding change: c.568G>A on transcript NM_000391.4 (MANE Select); coding-DNA position 568, G replaced by A.
Protein change: p.Val190Met; replaces valine 190 with methionine.
Molecular consequence: missense variant.
Genome position (GRCh38, 1-based): chr11:6,617,094, C>T on the plus strand (G>A on the coding strand, the complement: TPP1 is on the minus strand). VCF-style: chr11-6617094-C-T. GRCh37 (hg19) VCF-style: chr11-6638325-C-T.
Other names: short protein forms V190M.
Identifiers: ClinVar variation 1363770 (VCV001363770.8), dbSNP rs546294509, ClinGen allele CA379475546.

ClinVar aggregate classification (germline): Uncertain significance (1 of 4 stars; one submission).

Submission:

Labcorp Genetics (formerly Invitae), Labcorp
Classification: Uncertain significance. Last evaluated: 2024-01-22. Review status: criteria provided, single submitter. Criteria: Invitae Variant Classification Sherloc (09022015). Collection method: clinical testing. Allele origin: germline.
Comment: This sequence change replaces valine, which is neutral and non-polar, with methionine, which is neutral and non-polar, at codon 190 of the TPP1 protein (p.Val190Met). This variant is not present in population databases (gnomAD no frequency). This variant has not been reported in the literature in individuals affected with TPP1-related conditions. ClinVar contains an entry for this variant (Variation ID: 1363770). Advanced modeling of protein sequence and biophysical properties (such as structural, functional, and spatial information, amino acid conservation, physicochemical variation, residue mobility, and thermodynamic stability) performed at Invitae indicates that this missense variant is not expected to disrupt TPP1 protein function with a negative predictive value of 95%. In summary, the available evidence is currently insufficient to determine the role of this variant in disease. Therefore, it has been classified as a Variant of Uncertain Significance.